The following is an entry in ClinVar:

NM_000807.4(GABRA2):c.1060-5632T>G

Gene: GABRA2 (gamma-aminobutyric acid type A receptor subunit alpha2; minus strand). Cytogenetic location: 4p12.
Variant type: single nucleotide variant.
Coding change: c.1060-5632T>G on transcript NM_000807.4 (MANE Select); 5632 bases into the intron before coding-DNA position 1060, T replaced by G.
Molecular consequence: intron variant. On other transcripts: missense variant (4).
Genome position (GRCh38, 1-based): chr4:46,256,236, A>C on the plus strand (T>G on the coding strand, the complement: GABRA2 is on the minus strand). VCF-style: chr4-46256236-A-C. GRCh37 (hg19) VCF-style: chr4-46258253-A-C.
Other names: c.895-5632T>G (NM_001377152.1, NM_001377153.1, NM_001377154.1); c.1060-5632T>G (NM_001377150.1, NM_001377147.1, NM_001377148.1 and 4 more transcripts); c.1033T>G, p.Leu345Val (NM_001286827.3); c.1198T>G, p.Leu400Val (NM_001330690.2, NM_001377144.1, NM_001377145.1); short protein forms L345V, L400V.
Identifiers: ClinVar variation 3669012 (VCV003669012.2).

ClinVar aggregate classification (germline): Uncertain significance (1 of 4 stars; one submission).

gnomAD v4.1: 2 of 693,870 alleles (0.00029%); highest among the groups gnomAD compares: African/African-American, 0.0018%; no homozygotes.

Submission:

Labcorp Genetics (formerly Invitae), Labcorp
Classification: Uncertain significance. Last evaluated: 2024-09-06. Review status: criteria provided, single submitter. Criteria: Invitae Variant Classification Sherloc (09022015). Collection method: clinical testing. Allele origin: germline.
Comment: This sequence change replaces leucine, which is neutral and non-polar, with valine, which is neutral and non-polar, at codon 400 of the GABRA2 protein (p.Leu400Val). This variant is not present in population databases (gnomAD no frequency). This variant has not been reported in the literature in individuals affected with GABRA2-related conditions. An algorithm developed to predict the effect of missense changes on protein structure and function (PolyPhen-2) suggests that this variant is likely to be tolerated. In summary, the available evidence is currently insufficient to determine the role of this variant in disease. Therefore, it has been classified as a Variant of Uncertain Significance.